The following is an entry in ClinVar:

ClinVar aggregate classification (germline): Uncertain significance (1 of 4 stars; one submission).

Allele frequency attached by ClinVar (database versions not stated): TOPMed 0.00001; ExAC 0.00002; gnomAD exomes 0.00002; gnomAD 0.00003; 1000 Genomes Project 30x 0.00016; 1000 Genomes Project 0.00020.
gnomAD v4.1: 25 of 1,612,096 alleles (0.0016%); highest among the groups gnomAD compares: East Asian, 0.056%; no homozygotes.

Submission:

Ambry Genetics
Classification: Uncertain significance. Last evaluated: 2022-09-19. Review status: criteria provided, single submitter. Criteria: Ambry Variant Classification Scheme 2023. Collection method: clinical testing. Allele origin: germline.
Comment: The p.L329F variant (also known as c.987A>C), located in coding exon 7 of the POLQ gene, results from an A to C substitution at nucleotide position 987. The leucine at codon 329 is replaced by phenylalanine, an amino acid with highly similar properties. This amino acid position is conserved. In addition, the in silico prediction for this alteration is inconclusive. Since supporting evidence is limited at this time, the clinical significance of this alteration remains unclear.

NM_199420.4(POLQ):c.987A>C (p.Leu329Phe)

Gene: POLQ (DNA polymerase theta; minus strand). Cytogenetic location: 3q13.33.
Variant type: single nucleotide variant.
Coding change: c.987A>C on transcript NM_199420.4 (MANE Select); coding-DNA position 987, A replaced by C.
Protein change: p.Leu329Phe; replaces leucine 329 with phenylalanine.
Molecular consequence: missense variant.
Genome position (GRCh38, 1-based): chr3:121,529,766, T>G on the plus strand (A>C on the coding strand, the complement: POLQ is on the minus strand). VCF-style: chr3-121529766-T-G. GRCh37 (hg19) VCF-style: chr3-121248613-T-G.
Other names: short protein forms L329F.
Identifiers: ClinVar variation 1768463 (VCV001768463.2), dbSNP rs201384851, ClinGen allele CA2563669.